The following is an entry in ClinVar:

NM_004259.7(RECQL5):c.1545C>T (p.Arg515=)

Gene: RECQL5 (RecQ like helicase 5; minus strand). Cytogenetic location: 17q25.1.
Variant type: single nucleotide variant.
Coding change: c.1545C>T on transcript NM_004259.7 (MANE Select); coding-DNA position 1545, C replaced by T.
Protein change: p.Arg515=; no amino-acid change (arginine 515 retained).
Molecular consequence: synonymous variant.
Genome position (GRCh38, 1-based): chr17:75,631,153, G>A on the plus strand (C>T on the coding strand, the complement: RECQL5 is on the minus strand). VCF-style: chr17-75631153-G-A. GRCh37 (hg19) VCF-style: chr17-73627233-G-A.
Identifiers: ClinVar variation 3039443 (VCV003039443.2), dbSNP rs75303204, ClinGen allele CA8767473.

ClinVar aggregate classification (germline): Likely benign (0 of 4 stars; one submission).

Conditions:
RECQL5-related disorder. Also called: RECQL5-related condition.

Allele frequency attached by ClinVar (database versions not stated): ExAC 0.00032; gnomAD 0.00098; TOPMed 0.00110; ESP Exome Variant Server 0.00132; 1000 Genomes Project 0.00140; 1000 Genomes Project 30x 0.00156.
gnomAD v4.1: 298 of 1,613,730 alleles (0.018%); highest among the groups gnomAD compares: African/African-American, 0.37%; no homozygotes.

Submission:

PreventionGenetics, part of Exact Sciences
Classification: Likely benign for RECQL5-related condition. Last evaluated: 2022-03-17. Review status: no assertion criteria provided. Collection method: clinical testing. Allele origin: germline.
Comment: This variant is classified as likely benign based on ACMG/AMP sequence variant interpretation guidelines (Richards et al. 2015 PMID: 25741868, with internal and published modifications).